The following is an entry in ClinVar:

NM_000497.4(CYP11B1):c.1042G>A (p.Ala348Thr)

Genes: CYP11B1 (cytochrome P450 family 11 subfamily B member 1; minus strand), LOC106799833 (CYP11B1 recombination region; plus strand). Cytogenetic location: 8q24.3.
Variant type: single nucleotide variant.
Coding change: c.1042G>A on transcript NM_000497.4 (MANE Select); coding-DNA position 1042, G replaced by A.
Protein change: p.Ala348Thr; replaces alanine 348 with threonine.
Molecular consequence: missense variant.
Genome position (GRCh38, 1-based): chr8:142,875,791, C>T on the plus strand (G>A on the coding strand, the complement: CYP11B1 is on the minus strand). VCF-style: chr8-142875791-C-T. GRCh37 (hg19) VCF-style: chr8-143957207-C-T.
Other names: c.1042G>A, p.Ala348Thr (NM_001026213.1); short protein forms A348T.
Identifiers: ClinVar variation 362153 (VCV000362153.16), dbSNP rs6407, ClinGen allele CA4905172.

ClinVar aggregate classification (germline): Conflicting classifications of pathogenicity. Review status: criteria provided, conflicting classifications (1 of 4 stars). 4 submissions from 3 submitters: Uncertain significance (2); Benign (1); Likely benign (1). Last evaluated 2026-01-20.

Conditions:
Glucocorticoid-remediable aldosteronism. Also called: Hyperaldosteronism, familial, type I; ACTH-DEPENDENT HYPERALDOSTERONISM SYNDROME; ALDOSTERONISM, SENSITIVE TO DEXAMETHASONE; FH I; GLUCOCORTICOID-SUPPRESSIBLE HYPERALDOSTERONISM. Identifiers: Orphanet 403, MedGen C3838731, MONDO:0007080, OMIM 103900.
Deficiency of steroid 11-beta-monooxygenase (CYP11B1). Also called: ADRENAL HYPERPLASIA, CONGENITAL, DUE TO STEROID 11-BETA-HYDROXYLASE DEFICIENCY; 11-BETA-HYDROXYLASE DEFICIENCY; ADRENAL HYPERPLASIA IV; P450C11B1 DEFICIENCY; STEROID 11-BETA-HYDROXYLASE DEFICIENCY; Congenital adrenal hyperplasia due to 11-beta-hydroxylase deficiency. Identifiers: Orphanet 90795, MedGen C0268292, MONDO:0008729, OMIM 202010. Disease mechanism: loss of function.

Allele frequency attached by ClinVar (database versions not stated): 1000 Genomes Project 30x 0.00016; 1000 Genomes Project 0.00020; ExAC 0.00027; gnomAD exomes 0.00027; TOPMed 0.00039; gnomAD 0.00044 and 0.00045; ESP Exome Variant Server 0.00069.
gnomAD v4.1: 453 of 1,614,066 alleles (0.028%); highest among the groups gnomAD compares: African/African-American, 0.037%; no homozygotes.

Submissions (4):

Labcorp Genetics (formerly Invitae), Labcorp
Classification: Likely benign. Last evaluated: 2026-01-20. Review status: criteria provided, single submitter. Criteria: Invitae Variant Classification Sherloc (09022015). Collection method: clinical testing. Allele origin: germline.

Illumina Laboratory Services, Illumina
Classification: Benign for Glucocorticoid-remediable aldosteronism. Last evaluated: 2018-01-13. Review status: criteria provided, single submitter. Criteria: ICSL Variant Classification Criteria 13 December 2019. Collection method: clinical testing. Allele origin: germline.
Comment: This variant was observed in the ICSL laboratory as part of a predisposition screen in an ostensibly healthy population. It had not been previously curated by ICSL or reported in the Human Gene Mutation Database (HGMD: prior to June 1st, 2018), and was therefore a candidate for classification through an automated scoring system. Utilizing variant allele frequency, disease prevalence and penetrance estimates, and inheritance mode, an automated score was calculated to assess if this variant is too frequent to cause the disease. Based on the score and internal cut-off values, a variant classified as benign is not then subjected to further curation. The score for this variant resulted in a classification of benign for this disease.

Illumina Laboratory Services, Illumina
Classification: Uncertain significance for Deficiency of steroid 11-beta-monooxygenase. Last evaluated: 2018-01-13. Review status: criteria provided, single submitter. Criteria: ICSL Variant Classification Criteria 13 December 2019. Collection method: clinical testing. Allele origin: germline.

Genetic Services Laboratory, University of Chicago
Classification: Uncertain significance. Last evaluated: 2016-04-19. Review status: criteria provided, single submitter. Criteria: ACMG Guidelines, 2015. Collection method: clinical testing. Allele origin: germline. Affected: no.